The following is an entry in ClinVar:

NM_001199397.3(NEK1):c.264G>A (p.Leu88=)

Gene: NEK1 (NIMA related kinase 1; minus strand). Cytogenetic location: 4q33.
Variant type: single nucleotide variant.
Coding change: c.264G>A on transcript NM_001199397.3 (MANE Select); coding-DNA position 264, G replaced by A.
Protein change: p.Leu88=; no amino-acid change (leucine 88 retained).
Molecular consequence: synonymous variant.
Genome position (GRCh38, 1-based): chr4:169,599,148, C>T on the plus strand (G>A on the coding strand, the complement: NEK1 is on the minus strand). VCF-style: chr4-169599148-C-T. GRCh37 (hg19) VCF-style: chr4-170520299-C-T.
Other names: c.264G>A, p.Leu88= (NM_001374423.1, NM_012224.4, NM_001199398.3 and 7 more transcripts).
Identifiers: ClinVar variation 749177 (VCV000749177.30), dbSNP rs780568580, ClinGen allele CA3138068.
Genomic context (GRCh38, chr4:169,599,148, plus strand): 5'-ATGCAAACTTACCTGATCCTCTTGAAACAAAACGCCTTTCTGAGCATTTATTCGCTTAAA[C>T]AGATCCCCTCCCTCACAGTAATCCATTACTATGTAGAGAGAGCCATTTTCTACAAAATAT-3'
Protein context (NP_001186326.1, residues 78-98): IVMDYCEGGD[Leu88=]FKRINAQKGV

ClinVar aggregate classification (germline): Likely benign. Review status: criteria provided, multiple submitters, no conflicts (2 of 4 stars). 2 submissions from 2 submitters: Likely benign (2). Last evaluated 2025-09-17.

Conditions:
Short-rib thoracic dysplasia 6 with or without polydactyly (SRTD6). Also called: SHORT RIB-POLYDACTYLY SYNDROME, TYPE IIA; Majewski Syndrome; POLYDACTYLY WITH NEONATAL CHONDRODYSTROPHY, TYPE II; SHORT-RIB THORACIC DYSPLASIA 6 WITH POLYDACTYLY; SHORT-RIB THORACIC DYSPLASIA 6 WITHOUT POLYDACTYLY. Identifiers: MedGen C0024507, MONDO:0009894, OMIM 263520.

Allele frequency attached by ClinVar (database versions not stated): gnomAD 0.00001; gnomAD exomes 0.00001 and 0.00002; TOPMed 0.00001; ExAC 0.00002.
gnomAD v4.1: 20 of 1,613,380 alleles (0.0012%); highest among the groups gnomAD compares: Non-Finnish European, 0.0017%; no homozygotes.

Submissions (2):

Labcorp Genetics (formerly Invitae), Labcorp
Classification: Likely benign for Short-rib thoracic dysplasia 6 with or without polydactyly. Last evaluated: 2025-09-17. Review status: criteria provided, single submitter. Criteria: Invitae Variant Classification Sherloc (09022015). Collection method: clinical testing. Allele origin: germline.

CeGaT Center for Human Genetics Tuebingen
Classification: Likely benign. Last evaluated: 2022-10-01. Review status: criteria provided, single submitter. Criteria: CeGaT Center For Human Genetics Tuebingen Variant Classification Criteria Version 2. Collection method: clinical testing. Allele origin: germline. Affected: yes. Observed: 1 variant allele.
Comment: NEK1: BP4, BP7